The following is an entry in ClinVar:

ClinVar aggregate classification (germline): Uncertain significance (1 of 4 stars; one submission).

Conditions:
Multiple congenital anomalies-hypotonia-seizures syndrome 1 (MCAHS1). Also called: GLYCOSYLPHOSPHATIDYLINOSITOL BIOSYNTHESIS DEFECT 3; PIGN-CDG; Congenital disorder of glycosylation due to PIGN deficiency. Identifiers: Orphanet 280633, MedGen C3279775, MONDO:0013563, OMIM 614080.

Allele frequency attached by ClinVar (database versions not stated): gnomAD exomes 0.00003.
gnomAD v4.1: 36 of 1,558,416 alleles (0.0023%); highest among the groups gnomAD compares: Non-Finnish European, 0.003%; no homozygotes.

Submission:

Labcorp Genetics (formerly Invitae), Labcorp
Classification: Uncertain significance for Multiple congenital anomalies-hypotonia-seizures syndrome 1. Last evaluated: 2018-09-18. Review status: criteria provided, single submitter. Criteria: Invitae Variant Classification Sherloc (09022015). Collection method: clinical testing. Allele origin: germline.
Comment: This sequence change replaces phenylalanine with leucine at codon 825 of the PIGN protein (p.Phe825Leu). The phenylalanine residue is highly conserved and there is a small physicochemical difference between phenylalanine and leucine. This variant is not present in population databases (ExAC no frequency). This variant has not been reported in the literature in individuals with PIGN-related disease. Algorithms developed to predict the effect of missense changes on protein structure and function are either unavailable or do not agree on the potential impact of this missense change (SIFT: "Deleterious"; PolyPhen-2: "Benign"; Align-GVGD: "Class C0"). In summary, the available evidence is currently insufficient to determine the role of this variant in disease. Therefore, it has been classified as a Variant of Uncertain Significance.

NM_176787.5(PIGN):c.2475T>G (p.Phe825Leu)

Gene: PIGN (phosphatidylinositol glycan anchor biosynthesis class N; minus strand). Cytogenetic location: 18q21.33.
Variant type: single nucleotide variant.
Coding change: c.2475T>G on transcript NM_176787.5 (MANE Select); coding-DNA position 2475, T replaced by G.
Protein change: p.Phe825Leu; replaces phenylalanine 825 with leucine.
Molecular consequence: missense variant.
Genome position (GRCh38, 1-based): chr18:62,084,558, A>C on the plus strand (T>G on the coding strand, the complement: PIGN is on the minus strand). VCF-style: chr18-62084558-A-C. GRCh37 (hg19) VCF-style: chr18-59751791-A-C.
Other names: c.2475T>G, p.Phe825Leu (NM_012327.6); short protein forms F825L.
Identifiers: ClinVar variation 658070 (VCV000658070.1), dbSNP rs1599479822, ClinGen allele CA402601271.